The following is an entry in ClinVar:

ClinVar aggregate classification (germline): Benign/Likely benign. Review status: criteria provided, multiple submitters, no conflicts (2 of 4 stars). 3 submissions from 3 submitters: Benign (1); Likely benign (2). Last evaluated 2025-07-31.

Conditions:
Hereditary cancer-predisposing syndrome. Also called: Tumor predisposition; Neoplastic Syndromes, Hereditary; Hereditary Cancer Syndrome; Hereditary neoplastic syndrome. Identifiers: Orphanet 140162, MedGen C0027672, MeSH D009386, MONDO:0015356.
Familial cancer of breast. Also called: Hereditary breast cancer; BREAST CANCER, FAMILIAL; hereditary breast carcinoma. Identifiers: Orphanet 227535, MedGen C0346153, MONDO:0016419, OMIM 114480. Disease mechanism: loss of function.

Submissions (3):

Labcorp Genetics (formerly Invitae), Labcorp
Classification: Likely benign for Familial cancer of breast. Last evaluated: 2025-07-31. Review status: criteria provided, single submitter. Criteria: Invitae Variant Classification Sherloc (09022015). Collection method: clinical testing. Allele origin: germline.

Myriad Genetics, Inc.
Classification: Benign for Familial cancer of breast. Last evaluated: 2025-01-10. Review status: criteria provided, single submitter. Criteria: Myriad Autosomal Dominant, Autosomal Recessive and X-Linked Classification Criteria (2023). Collection method: clinical testing. Allele origin: unknown.
Comment: This variant is considered benign. This variant is a silent/synonymous amino acid change and it is not expected to impact splicing.

Ambry Genetics
Classification: Likely benign for Hereditary cancer-predisposing syndrome. Last evaluated: 2021-11-27. Review status: criteria provided, single submitter. Criteria: Ambry Variant Classification Scheme 2023. Collection method: clinical testing. Allele origin: germline.

NM_024675.4(PALB2):c.474G>A (p.Gln158=)

Gene: PALB2 (partner and localizer of BRCA2; minus strand). Cytogenetic location: 16p12.2.
Variant type: single nucleotide variant.
Coding change: c.474G>A on transcript NM_024675.4 (MANE Select); coding-DNA position 474, G replaced by A.
Protein change: p.Gln158=; no amino-acid change (glutamine 158 retained).
Molecular consequence: synonymous variant.
Genome position (GRCh38, 1-based): chr16:23,636,072, C>T on the plus strand (G>A on the coding strand, the complement: PALB2 is on the minus strand). VCF-style: chr16-23636072-C-T. GRCh37 (hg19) VCF-style: chr16-23647393-C-T.
Identifiers: ClinVar variation 241565 (VCV000241565.15), dbSNP rs878855119, ClinGen allele CA10583382.